The following is an entry in ClinVar:

NM_001384732.1(CPLANE1):c.760A>G (p.Arg254Gly)

Gene: CPLANE1 (ciliogenesis and planar polarity effector complex subunit 1; minus strand). Cytogenetic location: 5p13.2.
Variant type: single nucleotide variant.
Coding change: c.760A>G on transcript NM_001384732.1 (MANE Select); coding-DNA position 760, A replaced by G.
Protein change: p.Arg254Gly; replaces arginine 254 with glycine.
Molecular consequence: missense variant.
Genome position (GRCh38, 1-based): chr5:37,239,787, T>C on the plus strand (A>G on the coding strand, the complement: CPLANE1 is on the minus strand). VCF-style: chr5-37239787-T-C. GRCh37 (hg19) VCF-style: chr5-37239889-T-C.
Other names: c.760A>G, p.Arg254Gly (NM_023073.4); short protein forms R254G.
Identifiers: ClinVar variation 2109540 (VCV002109540.4), dbSNP rs1799922061, ClinGen allele CA359516117.

ClinVar aggregate classification (germline): Uncertain significance (1 of 4 stars; one submission).

Allele frequency attached by ClinVar (database versions not stated): gnomAD exomes below 0.00001.
gnomAD v4.1: 1 of 1,547,420 alleles (0.000065%); highest among the groups gnomAD compares: African/African-American, 0.0014%; no homozygotes.

Submission:

Labcorp Genetics (formerly Invitae), Labcorp
Classification: Uncertain significance. Last evaluated: 2023-10-03. Review status: criteria provided, single submitter. Criteria: Invitae Variant Classification Sherloc (09022015). Collection method: clinical testing. Allele origin: germline.
Comment: This sequence change replaces arginine, which is basic and polar, with glycine, which is neutral and non-polar, at codon 254 of the CPLANE1 protein (p.Arg254Gly). This variant is not present in population databases (gnomAD no frequency). This variant has not been reported in the literature in individuals affected with CPLANE1-related conditions. ClinVar contains an entry for this variant (Variation ID: 2109540). Advanced modeling of protein sequence and biophysical properties (such as structural, functional, and spatial information, amino acid conservation, physicochemical variation, residue mobility, and thermodynamic stability) has been performed at Invitae for this missense variant, however the output from this modeling did not meet the statistical confidence thresholds required to predict the impact of this variant on CPLANE1 protein function. In summary, the available evidence is currently insufficient to determine the role of this variant in disease. Therefore, it has been classified as a Variant of Uncertain Significance.